The following is an entry in ClinVar:

NM_139343.3(BIN1):c.920C>G (p.Thr307Ser)

Gene: BIN1 (bridging integrator 1; minus strand). Cytogenetic location: 2q14.3.
Variant type: single nucleotide variant.
Coding change: c.920C>G on transcript NM_139343.3 (MANE Select); coding-DNA position 920, C replaced by G.
Protein change: p.Thr307Ser; replaces threonine 307 with serine.
Molecular consequence: missense variant.
Genome position (GRCh38, 1-based): chr2:127,059,093, G>C on the plus strand (C>G on the coding strand, the complement: BIN1 is on the minus strand). VCF-style: chr2-127059093-G-C. GRCh37 (hg19) VCF-style: chr2-127816669-G-C.
Other names: c.872C>G, p.Thr291Ser (NM_001320632.2, NM_004305.4, NM_139346.3); c.920C>G, p.Thr307Ser (NM_001320633.2, NM_001320640.2, NM_139344.3 and 1 more transcripts); c.755C>G, p.Thr252Ser (NM_001320634.1); c.827C>G, p.Thr276Ser (NM_001320641.2, NM_139347.3, NM_139348.3 and 3 more transcripts); c.839C>G, p.Thr280Ser (NM_001320642.1); short protein forms T280S, T291S, T307S, T276S, T252S.
Identifiers: ClinVar variation 935698 (VCV000935698.9), dbSNP rs199551366, ClinGen allele CA1857235.

ClinVar aggregate classification (germline): Uncertain significance. Review status: criteria provided, multiple submitters, no conflicts (2 of 4 stars). 2 submissions from 2 submitters: Uncertain significance (2). Last evaluated 2024-11-13.

Conditions:
Inborn genetic diseases. Identifiers: MedGen C0950123, MeSH D030342.
Myopathy, centronuclear, 2 (CNM2). Also called: MYOTUBULAR MYOPATHY, AUTOSOMAL RECESSIVE. Identifiers: Orphanet 169186, MedGen CN031787, MONDO:0009709, OMIM 255200.

Allele frequency attached by ClinVar (database versions not stated): gnomAD exomes 0.00002; TOPMed 0.00003; gnomAD 0.00003.
gnomAD v4.1: 38 of 1,593,754 alleles (0.0024%); highest among the groups gnomAD compares: Non-Finnish European, 0.0032%; no homozygotes.

Submissions (2):

Labcorp Genetics (formerly Invitae), Labcorp
Classification: Uncertain significance for Myopathy, centronuclear, 2. Last evaluated: 2024-11-13. Review status: criteria provided, single submitter. Criteria: Invitae Variant Classification Sherloc (09022015). Collection method: clinical testing. Allele origin: germline.
Comment: This sequence change replaces threonine, which is neutral and polar, with serine, which is neutral and polar, at codon 307 of the BIN1 protein (p.Thr307Ser). This variant is present in population databases (rs199551366, gnomAD 0.003%). This variant has not been reported in the literature in individuals affected with BIN1-related conditions. ClinVar contains an entry for this variant (Variation ID: 935698). Invitae Evidence Modeling of protein sequence and biophysical properties (such as structural, functional, and spatial information, amino acid conservation, physicochemical variation, residue mobility, and thermodynamic stability) indicates that this missense variant is not expected to disrupt BIN1 protein function with a negative predictive value of 80%. In summary, the available evidence is currently insufficient to determine the role of this variant in disease. Therefore, it has been classified as a Variant of Uncertain Significance.

Ambry Genetics
Classification: Uncertain significance for Inborn genetic diseases. Last evaluated: 2023-12-08. Review status: criteria provided, single submitter. Criteria: Ambry Variant Classification Scheme 2023. Collection method: clinical testing. Allele origin: germline.